The following is an entry in ClinVar:

NM_152383.5(DIS3L2):c.1923+11G>A

Gene: DIS3L2 (DIS3 like 3'-5' exoribonuclease 2; plus strand). Cytogenetic location: 2q37.1.
Variant type: single nucleotide variant.
Coding change: c.1923+11G>A on transcript NM_152383.5 (MANE Select); 11 bases into the intron after coding-DNA position 1923, G replaced by A.
Molecular consequence: intron variant.
Genome position (GRCh38, 1-based): chr2:232,330,007, G>A. VCF-style: chr2-232330007-G-A. GRCh37 (hg19) VCF-style: chr2-233194717-G-A.
Other names: c.1582-13338G>A (NM_001257281.2).
Identifiers: ClinVar variation 2105738 (VCV002105738.4), dbSNP rs2469434749, ClinGen allele CA2580066049.

ClinVar aggregate classification (germline): Uncertain significance (1 of 4 stars; one submission).

Conditions:
Perlman syndrome (PRLMNS). Identifiers: Orphanet 2849, MedGen C0796113, MONDO:0009965, OMIM 267000.

Submission:

Labcorp Genetics (formerly Invitae), Labcorp
Classification: Uncertain significance for Perlman syndrome. Last evaluated: 2022-03-02. Review status: criteria provided, single submitter. Criteria: Invitae Variant Classification Sherloc (09022015). Collection method: clinical testing. Allele origin: germline.
Comment: This variant has not been reported in the literature in individuals affected with DIS3L2-related conditions. This variant is not present in population databases (gnomAD no frequency). This sequence change falls in intron 15 of the DIS3L2 gene. It does not directly change the encoded amino acid sequence of the DIS3L2 protein. Algorithms developed to predict the effect of sequence changes on RNA splicing suggest that this variant may create or strengthen a splice site. In summary, the available evidence is currently insufficient to determine the role of this variant in disease. Therefore, it has been classified as a Variant of Uncertain Significance.